The following is an entry in ClinVar:

ClinVar aggregate classification (germline): Uncertain significance. Review status: criteria provided, multiple submitters, no conflicts (2 of 4 stars). 3 submissions from 3 submitters: Uncertain significance (3). Last evaluated 2025-03-28.

Conditions:
Familial cancer of breast. Also called: BREAST CANCER, FAMILIAL; hereditary breast carcinoma; Hereditary breast cancer. Identifiers: Orphanet 227535, MedGen C0346153, MONDO:0016419, OMIM 114480. Disease mechanism: loss of function.
Hereditary cancer-predisposing syndrome. Also called: Hereditary neoplastic syndrome; Neoplastic Syndromes, Hereditary; Hereditary Cancer Syndrome; Tumor predisposition. Identifiers: Orphanet 140162, MedGen C0027672, MeSH D009386, MONDO:0015356.
Ataxia-telangiectasia syndrome (AT). Also called: AT, COMPLEMENTATION GROUP C; Cerebello-oculocutaneous telangiectasia; Immunodeficiency with ataxia telangiectasia; Ataxia-telangiectasia, complementation group D; ATAXIA-TELANGIECTASIA, FRESNO VARIANT; Ataxia-telangiectasia, complementation group E. Identifiers: Orphanet 100, MedGen C0004135, MONDO:0008840, OMIM 208900.

Submissions (3):

Ambry Genetics
Classification: Uncertain significance for Hereditary cancer-predisposing syndrome. Last evaluated: 2025-03-28. Review status: criteria provided, single submitter. Criteria: Ambry Variant Classification Scheme 2023. Collection method: clinical testing. Allele origin: germline.
Comment: The p.I149V variant (also known as c.445A>G), located in coding exon 4 of the ATM gene, results from an A to G substitution at nucleotide position 445. The isoleucine at codon 149 is replaced by valine, an amino acid with highly similar properties. This alteration was observed with an allele frequency of 0.0000 in 7,051 unselected female breast cancer patients and was observed with an allele frequency of 0.00009 in 11,241 female controls of Japanese ancestry (Momozawa Y et al. Nat Commun, 2018 10;9:4083). This amino acid position is highly conserved in available vertebrate species. In addition, this alteration is predicted to be tolerated by in silico analysis. Since supporting evidence is limited at this time, the clinical significance of this alteration remains unclear.

Labcorp Genetics (formerly Invitae), Labcorp
Classification: Uncertain significance for Ataxia-telangiectasia syndrome. Last evaluated: 2024-09-04. Review status: criteria provided, single submitter. Criteria: Invitae Variant Classification Sherloc (09022015). Collection method: clinical testing. Allele origin: germline.
Comment: This sequence change replaces isoleucine, which is neutral and non-polar, with valine, which is neutral and non-polar, at codon 149 of the ATM protein (p.Ile149Val). This variant is not present in population databases (gnomAD no frequency). This variant has not been reported in the literature in individuals affected with ATM-related conditions. ClinVar contains an entry for this variant (Variation ID: 574839). An algorithm developed to predict the effect of missense changes on protein structure and function (PolyPhen-2) suggests that this variant is likely to be tolerated. In summary, the available evidence is currently insufficient to determine the role of this variant in disease. Therefore, it has been classified as a Variant of Uncertain Significance.

Baylor Genetics
Classification: Uncertain significance for Familial cancer of breast. Last evaluated: 2024-01-09. Review status: criteria provided, single submitter. Criteria: ACMG Guidelines, 2015. Collection method: clinical testing. Allele origin: unknown.

Literature cited by the submitters: PubMed 30287823 (cited by Ambry Genetics).

NM_000051.4(ATM):c.445A>G (p.Ile149Val)

Gene: ATM (ATM serine/threonine kinase; plus strand). Cytogenetic location: 11q22.3.
Variant type: single nucleotide variant.
Coding change: c.445A>G on transcript NM_000051.4 (MANE Select); coding-DNA position 445, A replaced by G.
Protein change: p.Ile149Val; replaces isoleucine 149 with valine.
Molecular consequence: missense variant.
Genome position (GRCh38, 1-based): chr11:108,235,783, A>G. VCF-style: chr11-108235783-A-G. GRCh37 (hg19) VCF-style: chr11-108106510-A-G.
Other names: c.445A>G, p.Ile149Val (NM_001351834.2); short protein forms I149V.
Identifiers: ClinVar variation 574839 (VCV000574839.17), dbSNP rs1565357194, ClinGen allele CA382525303.